The following is an entry in ClinVar:

NM_004970.3(IGFALS):c.17-3C>T

Gene: IGFALS (insulin like growth factor binding protein acid labile subunit; minus strand). Cytogenetic location: 16p13.3.
Variant type: single nucleotide variant.
Coding change: c.17-3C>T on transcript NM_004970.3 (MANE Select); 3 bases into the intron before coding-DNA position 17, C replaced by T.
Molecular consequence: intron variant. On other transcripts: missense variant (1).
Genome position (GRCh38, 1-based): chr16:1,792,404, G>A on the plus strand (C>T on the coding strand, the complement: IGFALS is on the minus strand). VCF-style: chr16-1792404-G-A. GRCh37 (hg19) VCF-style: chr16-1842405-G-A.
Other names: c.128C>T, p.Ala43Val (NM_001146006.2); short protein forms A43V.
Identifiers: ClinVar variation 749119 (VCV000749119.6), dbSNP rs545455326, ClinGen allele CA7820749.
Genomic context (GRCh38, chr16:1,792,404, plus strand): 5'-AGGCTGCGGGGGCCCAGTGCCACCCAGGACAGCAGCAGCAGCGCCAGGGCCAGGCCTCCT[G>A]CGGGGGGAGAGGCTTGGGGAGGCGGCCCGAGGAGGGCTCTGCCCGAGTGAGCCTGATACC-3'

ClinVar aggregate classification (germline): Benign. Review status: criteria provided, multiple submitters, no conflicts (2 of 4 stars). 3 submissions from 3 submitters: Benign (3). Last evaluated 2025-12-01.

Allele frequency attached by ClinVar (database versions not stated): gnomAD 0.00022 and 0.00001; 1000 Genomes Project 30x 0.00031; 1000 Genomes Project 0.00040; gnomAD exomes 0.00051 and 0.00115; ExAC 0.00141; TOPMed 0.00003.
gnomAD v4.1: 742 of 1,560,880 alleles (0.048%); highest among the groups gnomAD compares: South Asian, 0.83%; 8 homozygotes.

Submissions (3):

Women's Health and Genetics/Laboratory Corporation of America, LabCorp
Classification: Benign. Last evaluated: 2025-12-01. Review status: criteria provided, single submitter. Criteria: LabCorp Variant Classification Summary - May 2015. Collection method: clinical testing. Allele origin: germline.
Comment: Variant summary: IGFALS c.17-3C>T alters a nucleotide located close to a canonical splice site and therefore could affect mRNA splicing, leading to a significantly altered protein sequence. Consensus agreement among computation tools predict no significant impact on normal splicing. However, these predictions have yet to be confirmed by functional studies. The variant allele was found at a frequency of 0.0012 in 186236 control chromosomes, predominantly at a frequency of 0.0092 within the South Asian subpopulation in the gnomAD database, including 5 homozygotes. The observed variant frequency within South Asian control individuals in the gnomAD database exceeds the estimated maximal expected allele frequency for disease-causing variants in IGFALS. To our knowledge, no occurrence of c.17-3C>T in individuals affected with IGFALS-related conditions and no experimental evidence demonstrating its impact on protein function have been reported. ClinVar contains an entry for this variant (Variation ID: 749119). Based on the evidence outlined above, the variant was classified as benign.

Labcorp Genetics (formerly Invitae), Labcorp
Classification: Benign. Last evaluated: 2019-12-31. Review status: criteria provided, single submitter. Criteria: Invitae Variant Classification Sherloc (09022015). Collection method: clinical testing. Allele origin: germline.

Breakthrough Genomics
Classification: Benign. Review status: criteria provided, single submitter. Criteria: ACMG Guidelines, 2015. Collection method: not provided. Allele origin: germline. Inheritance: Autosomal recessive inheritance. Affected: yes.